The following is an entry in ClinVar:

NM_000203.5(IDUA):c.1898C>T (p.Ser633Leu)

Gene: IDUA (alpha-L-iduronidase; plus strand). Cytogenetic location: 4p16.3.
Variant type: single nucleotide variant.
Coding change: c.1898C>T on transcript NM_000203.5 (MANE Select); coding-DNA position 1898, C replaced by T.
Protein change: p.Ser633Leu; replaces serine 633 with leucine.
Molecular consequence: missense variant. On other transcripts: non-coding transcript variant (1).
Genome position (GRCh38, 1-based): chr4:1,004,329, C>T. VCF-style: chr4-1004329-C-T. GRCh37 (hg19) VCF-style: chr4-998117-C-T.
Other names: NM_000203.5(IDUA):c.1898C>T; p.Ser633Leu; c.1502C>T, p.Ser501Leu (NM_001363576.1); c.1898C>T (NM_000203.4); short protein forms S633L, S501L.
Identifiers: ClinVar variation 556406 (VCV000556406.22), dbSNP rs886043347, ClinGen allele CA355966010.

ClinVar aggregate classification (germline): Pathogenic. Review status: reviewed by expert panel (3 of 4 stars). 9 submissions from 9 submitters: Pathogenic (1). 8 of the submissions do not count toward it. Last evaluated 2026-07-10.

Conditions:
IDUA-related disorders.
Mucopolysaccharidosis type 1. Also called: Mucopolysaccharidosis Type I; IDUA deficiency; MPS I. Identifiers: Orphanet 579, MedGen C0023786, MONDO:0001586.
Hurler syndrome. Also called: Gargoylism, Hurler Syndrome; MUCOPOLYSACCHARIDOSIS TYPE IH; Severe MPS I (Hurler Syndrome). Identifiers: Orphanet 93473, MedGen C0086795, MONDO:0011758, OMIM 607014.
Mucopolysaccharidosis, MPS-I-H/S. Also called: Mucopolysaccharidosis type IH/S. Identifiers: Orphanet 93476, MedGen C0086431, MONDO:0011759, OMIM 607015.
Mucopolysaccharidosis, MPS-I-S. Also called: Scheie Syndrome; MPS V; MUCOPOLYSACCHARIDOSIS TYPE V; MUCOPOLYSACCHARIDOSIS TYPE IS. Identifiers: Orphanet 93474, MedGen C0026708, MONDO:0011760, OMIM 607016.

Allele frequency attached by ClinVar (database versions not stated): gnomAD 0.00001; TOPMed 0.00002.
gnomAD v4.1: 14 of 1,611,658 alleles (0.00087%); highest among the groups gnomAD compares: Admixed American, 0.0033%; no homozygotes.

Submissions (9):

ClinGen Lysosomal Storage Disorder Variant Curation Expert Panel
Classification: Pathogenic for Mucopolysaccharidosis type 1. Last evaluated: 2026-07-10. Review status: reviewed by expert panel. Criteria: ClinGen LSD ACMG Specifications IDUA V1.2.0. Collection method: curation. Allele origin: germline. Inheritance: Autosomal recessive inheritance.
Comment: The NM_000203.5:c.1898C>T variant in IDUA is a missense variant predicted to cause substitution of Serine by Leucine at amino acid 633 (p.Ser633Leu). This variant has been detected in at least 8 individuals with MPS I. Of those individuals, 5 were compound heterozygous for the variant and a variant in IDUA that has been classified as pathogenic or likely pathogenic variant for MPS I by the ClinGen LD VCEP; 4 of those were confirmed in trans by parental testing. The second variant included c.536C>G (p.T179R), ClinVarID: 556358, 1 point; c.349delT (p.Y117TfsTer16), ClinVarID: 1451219, 1 point; c.1037T>G (p.L346R), ClinVarID: 11927, 1 point; c.1469T>C (p.L490P), ClinVarID: 11919, 0.25 points; c.1262T>C (p.L421P), ClinVarID: 1328979, 0 points (PMID: 21480867, PMID: 27146977). 2 individuals were homozygous for the variant (1 point; PMID: 21480867, PMID: 11735025); 4.25 points (PM3_Very Strong). At least 10 patients with this variant had either documented deficient IDUA activity in leukocytes, increased excretion of urinary dermatan and heparan sulfate, and/or clinical features specific to MPS I, including arthropathy, dysostosis multiplex, hepatosplenomegaly, and corneal involvement (PMID: 27146977, 11735025, 21480867) (PP4_Moderate). The computational predictor REVEL gives a score of 0.84, which is above the threshold of 0.773, evidence that correlates with impact to IDUA function at the moderate level based on the specifications of the ClinGen Lysosomal Diseases VCEP (PMID: 36413997) (PP3_Moderate). The highest population minor allele frequency in gnomAD v4.1.0 is 0.00003 (2/61922 alleles) in the Finnish population, which is lower than the ClinGen Lysosomal Diseases VCEP’s threshold for PM2_Supporting (<0.00025), meeting this criterion (PM2_Supporting). Two more missense variants; c.1898C>G (p.Ser633Trp, ClinVarID: 286242) and c.1898C>A (p.S633Ter, ClinVarID: 1068474) were found in the same codon and have been classified as likely pathogenic for MPS I by the ClinGen Lysosomal Diseases VCEP (PM5_Supporting). Expression of the variant in COS-7 cells resulted in 5.4% of wild-type IDUA activity, indicating that this variant may impact protein function (PMID: 11735025). Expression of this variant in IDUA KO HEK293 cells resulted in <0.05% relative specific enzyme activity of wild-type IDUA (Fluorometric Measurement Using 4-Methylumbelliferyl-α-L-Iduronide), and Western blot analysis showed an impact on the proteolytic processing of the enzymes (PMID: 39702574, 40359731) (PS3_Moderate). In summary, this variant meets the criteria to be classified as pathogenic for MPS I based on the ACMG/AMP criteria applied, as specified by the ClinGen Lysosomal Diseases Variant Curation Expert Panel (Specifications Version 1.2.0): PM3_Very Strong; PP4_Moderate; PP3_Moderate; PM2_Supporting; PM5_Supporting; PS3_Moderate. (Classification approved by the ClinGen Lysosomal Diseases Variant Curation Expert Panel on July 10, 2026)

Labcorp Genetics (formerly Invitae), Labcorp
Classification: Pathogenic for Mucopolysaccharidosis type 1. Last evaluated: 2025-12-30. Review status: criteria provided, single submitter. Criteria: Invitae Variant Classification Sherloc (09022015). Collection method: clinical testing. Allele origin: germline. Not counted in ClinVar's aggregate classification.
Comment: This sequence change replaces serine, which is neutral and polar, with leucine, which is neutral and non-polar, at codon 633 of the IDUA protein (p.Ser633Leu). This variant is present in population databases (no rsID available, gnomAD 0.006%). This missense change has been observed in individual(s) with mucopolysaccharidosis (PMID: 11735025, 16438163, 21480867, 26825088, 27146977). ClinVar contains an entry for this variant (Variation ID: 556406). Invitae Evidence Modeling of protein sequence and biophysical properties (such as structural, functional, and spatial information, amino acid conservation, physicochemical variation, residue mobility, and thermodynamic stability) indicates that this missense variant is expected to disrupt IDUA protein function with a positive predictive value of 95%. Experimental studies have shown that this missense change affects IDUA function (PMID: 11735025). For these reasons, this variant has been classified as Pathogenic.

Revvity Omics, Revvity
Classification: Pathogenic. Last evaluated: 2024-11-25. Review status: criteria provided, single submitter. Criteria: ACMG Guidelines, 2015. Collection method: clinical testing. Allele origin: germline. Not counted in ClinVar's aggregate classification.

Natera, Inc.
Classification: Pathogenic for Mucopolysaccharidosis type I. Last evaluated: 2024-10-18. Review status: criteria provided, single submitter. Criteria: Natera Variant Classification Schema (03/2026). Collection method: clinical testing. Allele origin: germline. Not counted in ClinVar's aggregate classification.
Comment: The c.1898C>T variant in IDUA is a missense variant predicted to cause substitution of serine to leucine at amino acid 633. This variant is rare in the general population with a frequency below the threshold expected for the associated phenotype(s). This variant has been observed in one or more individuals affected with the associated recessive disease, as either homozygous or compound heterozygous with a second variant (PMID: 21480867). Functional studies show that this variant may disrupt protein function (PMID: 11735025). Computational prediction algorithms indicate this variant is likely to affect gene or protein function. Given the available evidence, this variant is classified as Pathogenic.

3billion
Classification: Pathogenic for Mucopolysaccharidosis, MPS-I-H/S. Last evaluated: 2024-09-26. Review status: criteria provided, single submitter. Criteria: ACMG Guidelines, 2015. Collection method: clinical testing. Allele origin: germline. Affected: yes. Not counted in ClinVar's aggregate classification.
Comment: The variant is observed at an extremely low frequency in the gnomAD v4.0.0 dataset (total allele frequency: <0.001%). Predicted Consequence/Location: Missense variant In silico tool predictions suggest damaging effect of the variant on gene or gene product [REVEL: 0.84 (>=0.6, sensitivity 0.68 and specificity 0.92); 3Cnet: 0.94 (>=0.6, sensitivity 0.72 and precision 0.9)]. The same nucleotide change resulting in the same amino acid change has been previously reported as pathogenic/likely pathogenic with strong evidence (ClinVar ID: VCV000556406 /PMID: 11735025 /3billion dataset). The variant has been reported to be in trans with a pathogenic variant as either compound heterozygous or homozygous in at least one similarly affected unrelated individual (PMID: 11735025, 21480867). A different missense change at the same codon (p.Ser633Trp) has been reported as pathogenic/likely pathogenic with strong evidence (ClinVar ID: VCV000286242 /PMID: 24798265). Therefore, this variant is classified as Pathogenic according to the recommendation of ACMG/AMP guideline.

Blueprint Genetics
Classification: Pathogenic for IDUA-related disorders. Last evaluated: 2023-09-05. Review status: criteria provided, single submitter. Criteria: ACMG Guidelines, 2015. Collection method: clinical testing. Allele origin: germline. Affected: yes. Observed: 3 variant alleles. Not counted in ClinVar's aggregate classification.

Neuberg Centre For Genomic Medicine, NCGM
Classification: Pathogenic for Mucopolysaccharidosis, MPS-I-H/S. Last evaluated: 2023-06-22. Review status: criteria provided, single submitter. Criteria: ACMG Guidelines, 2015. Collection method: clinical testing. Allele origin: germline. Inheritance: Autosomal recessive inheritance. Affected: yes. Not counted in ClinVar's aggregate classification.
Comment: The observed missense c.1898C>Tp.Ser633Leu variant in IDUA gene has been reported previously in multiple individuals affected with mucopolysaccharidosis Uttarilli A, et al., 2016; Kunin-Batson AS, et al., 2016; Wang X, et al., 2012; Beesley CE, et al., 2001. Experimental studies have shown that this missense change affects IDUA function Beesley CE, et al., 2001. The p.Ser633Leu variant has been reported with allele frequency of 0.001% in gnomAD Exomes. This variant has been submitted to the ClinVar database as Pathogenic multiple submissions. Multiple lines of computational evidences Polyphen - Probably damaging, SIFT - Damaging and MutationTaster - Disease causing predict a damaging effect on protein structure and function for this variant. The reference amino acid change at this position on IDUA gene is predicted as conserved by GERP++ and PhyloP across 100 vertebrates. The amino acid Ser at position 633 is changed to a Leu changing protein sequence and it might alter its composition and physico-chemical properties. For these reasons, this variant has been classified as pathogenic. In absence of another reportable variant in IDUA gene, the molecular diagnosis is not confirmed.

Fulgent Genetics
Classification: Pathogenic for Hurler syndrome; Mucopolysaccharidosis, MPS-I-H/S; Mucopolysaccharidosis, MPS-I-S. Last evaluated: 2022-03-09. Review status: criteria provided, single submitter. Criteria: ACMG Guidelines, 2015. Collection method: clinical testing. Allele origin: unknown. Not counted in ClinVar's aggregate classification.

Counsyl
Classification: Pathogenic for Hurler syndrome. Last evaluated: 2018-01-30. Review status: no assertion criteria provided. Collection method: clinical testing. Allele origin: unknown. Not counted in ClinVar's aggregate classification.

Literature cited by the submitters: PubMed 39702574 (cited by ClinGen Lysosomal Storage Disorder Variant Curation Expert Panel); PubMed 40359731 (cited by ClinGen Lysosomal Storage Disorder Variant Curation Expert Panel); PubMed 11735025 (cited by 4 submitters); PubMed 16438163 (cited by Labcorp Genetics (formerly Invitae), Labcorp and Counsyl); PubMed 21480867 (cited by 4 submitters); PubMed 26825088 (cited by Labcorp Genetics (formerly Invitae), Labcorp and Counsyl); PubMed 27146977 (cited by Labcorp Genetics (formerly Invitae), Labcorp and Counsyl); PubMed 24798265 (cited by 3billion); PubMed 24480078 (cited by Counsyl).